The following is an entry in ClinVar:

NM_001291088.2(WDR87):c.3126G>A (p.Gln1042=)

Gene: WDR87 (WD repeat domain 87; minus strand). Cytogenetic location: 19q13.13.
Variant type: single nucleotide variant.
Coding change: c.3126G>A on transcript NM_001291088.2 (MANE Select); coding-DNA position 3126, G replaced by A.
Protein change: p.Gln1042=; no amino-acid change (glutamine 1042 retained).
Molecular consequence: synonymous variant.
Genome position (GRCh38, 1-based): chr19:37,891,820, C>T on the plus strand (G>A on the coding strand, the complement: WDR87 is on the minus strand). VCF-style: chr19-37891820-C-T. GRCh37 (hg19) VCF-style: chr19-38382460-C-T.
Other names: c.3009G>A, p.Gln1003= (NM_031951.5).
Identifiers: ClinVar variation 2861306 (VCV002861306.3), dbSNP rs2513350168, ClinGen allele CA507344392.
Genomic context (GRCh38, chr19:37,891,820, plus strand): 5'-GAGATCTGTGGCCCGCATCCCCAGTAGATGGTCCAGGGGTTCCTCCCCGATCATCTGCTG[C>T]CTATGAAAGTCAAAGGAGAAGAAGGACTATGCTGAGTCAGGAACAAAAGGGAGAATGGGA-3'
Protein context (NP_001278017.1, residues 1032-1052): TQKQETFREM[Gln1042=]QQMIGEEPLD

ClinVar aggregate classification (germline): Uncertain significance (1 of 4 stars; one submission).

Submission:

Labcorp Genetics (formerly Invitae), Labcorp
Classification: Uncertain significance. Last evaluated: 2023-05-01. Review status: criteria provided, single submitter. Criteria: Invitae Variant Classification Sherloc (09022015). Collection method: clinical testing. Allele origin: germline.
Comment: In summary, the available evidence is currently insufficient to determine the role of this variant in disease. Therefore, it has been classified as a Variant of Uncertain Significance. Algorithms developed to predict the effect of sequence changes on RNA splicing suggest that this variant may disrupt the consensus splice site. This variant has not been reported in the literature in individuals affected with WDR87-related conditions. This variant is not present in population databases (gnomAD no frequency). This sequence change affects codon 1003 of the WDR87 mRNA. It is a 'silent' change, meaning that it does not change the encoded amino acid sequence of the WDR87 protein. It affects a nucleotide within the consensus splice site.